The following is an entry in ClinVar:

ClinVar aggregate classification (germline): Uncertain significance (1 of 4 stars; one submission).

Conditions:
Nemaline myopathy 2 (NEM2). Also called: Nemaline myopathy 2, autosomal recessive. Identifiers: MedGen C1850569, MONDO:0009725, OMIM 256030.

Allele frequency attached by ClinVar (database versions not stated): gnomAD 0.00001; TOPMed 0.00002.
gnomAD v4.1: 2 of 1,611,460 alleles (0.00012%); highest among the groups gnomAD compares: African/African-American, 0.0027%; no homozygotes.

Submission:

Labcorp Genetics (formerly Invitae), Labcorp
Classification: Uncertain significance for Nemaline myopathy 2. Last evaluated: 2021-08-28. Review status: criteria provided, single submitter. Criteria: Invitae Variant Classification Sherloc (09022015). Collection method: clinical testing. Allele origin: germline.
Comment: This sequence change replaces isoleucine with valine at codon 5694 of the NEB protein (p.Ile5694Val). The isoleucine residue is moderately conserved and there is a small physicochemical difference between isoleucine and valine. This variant is not present in population databases (ExAC no frequency). This variant has not been reported in the literature in individuals affected with NEB-related conditions. Algorithms developed to predict the effect of missense changes on protein structure and function are either unavailable or do not agree on the potential impact of this missense change (SIFT: "Deleterious"; PolyPhen-2: "Not Available"; Align-GVGD: "Class C0"). In summary, the available evidence is currently insufficient to determine the role of this variant in disease. Therefore, it has been classified as a Variant of Uncertain Significance.

NM_001164508.2(NEB):c.17080A>G (p.Ile5694Val)

Gene: NEB (nebulin; minus strand). Cytogenetic location: 2q23.3.
Variant type: single nucleotide variant.
Coding change: c.17080A>G on transcript NM_001164508.2 (MANE Select); coding-DNA position 17080, A replaced by G.
Protein change: p.Ile5694Val; replaces isoleucine 5694 with valine.
Molecular consequence: missense variant.
Genome position (GRCh38, 1-based): chr2:151,570,535, T>C on the plus strand (A>G on the coding strand, the complement: NEB is on the minus strand). VCF-style: chr2-151570535-T-C. GRCh37 (hg19) VCF-style: chr2-152427049-T-C.
Other names: c.17080A>G, p.Ile5694Val (NM_001164507.2, NM_001271208.2); c.11977A>G, p.Ile3993Val (NM_004543.5); short protein forms I3993V, I5694V.
Identifiers: ClinVar variation 1483575 (VCV001483575.5), dbSNP rs1287787210, ClinGen allele CA348808678.